The following is an entry in ClinVar:

NM_003995.4(NPR2):c.64G>T (p.Ala22Ser)

Gene: NPR2 (natriuretic peptide receptor 2; plus strand). Cytogenetic location: 9p13.3.
Variant type: single nucleotide variant.
Coding change: c.64G>T on transcript NM_003995.4 (MANE Select); coding-DNA position 64, G replaced by T.
Protein change: p.Ala22Ser; replaces alanine 22 with serine.
Molecular consequence: missense variant.
Genome position (GRCh38, 1-based): chr9:35,792,472, G>T. VCF-style: chr9-35792472-G-T. GRCh37 (hg19) VCF-style: chr9-35792469-G-T.
Other names: c.64G>T, p.Ala22Ser (NM_001378923.1); short protein forms A22S.
Identifiers: ClinVar variation 193262 (VCV000193262.20), dbSNP rs140014632, ClinGen allele CA200453.

ClinVar aggregate classification (germline): Conflicting classifications of pathogenicity. Review status: criteria provided, conflicting classifications (1 of 4 stars). 4 submissions from 4 submitters: Uncertain significance (1); Benign (1); Likely benign (1). 1 of the submissions does not count toward it. Last evaluated 2025-10-04.

Conditions:
Acromesomelic dysplasia 1, Maroteaux type (AMD1). Also called: ST. HELENA DYSPLASIA; ACROMESOMELIC DYSPLASIA 1. Identifiers: Orphanet 40, MedGen C1864356, MONDO:0011275, OMIM 602875.
Tall stature-scoliosis-macrodactyly of the great toes syndrome. Also called: Epiphyseal chondrodysplasia, miura type. Identifiers: Orphanet 329191, MedGen C4014690, MONDO:0014401, OMIM 615923.
Short stature with nonspecific skeletal abnormalities 1 (SNSK1). Identifiers: MedGen CN379227, MONDO:0014551, OMIM 616255.
NPR2-related disorder. Also called: NPR2-related condition; NPR2-related disorders.

Allele frequency attached by ClinVar (database versions not stated): gnomAD exomes 0.00014 and 0.00040; ExAC 0.00049; 1000 Genomes Project 0.00140; gnomAD 0.00143 and 0.00157; 1000 Genomes Project 30x 0.00156; TOPMed 0.00158; ESP Exome Variant Server 0.00177.
gnomAD v4.1: 424 of 1,610,908 alleles (0.026%); highest among the groups gnomAD compares: African/African-American, 0.51%; 4 homozygotes.

Submissions (4):

Labcorp Genetics (formerly Invitae), Labcorp
Classification: Likely benign for Tall stature-scoliosis-macrodactyly of the great toes syndrome; Acromesomelic dysplasia 1, Maroteaux type. Last evaluated: 2025-10-04. Review status: criteria provided, single submitter. Criteria: Invitae Variant Classification Sherloc (09022015). Collection method: clinical testing. Allele origin: germline.

Eurofins Ntd Llc (ga)
Classification: Benign. Last evaluated: 2015-01-17. Review status: criteria provided, single submitter. Criteria: EGL Classification Definitions 2015. Collection method: clinical testing. Allele origin: germline. Observed: 1 variant allele, 1 heterozygote.

Center for Genomics, Ann and Robert H. Lurie Children's Hospital of Chicago
Classification: Uncertain significance for Tall stature-scoliosis-macrodactyly of the great toes syndrome; Short stature with nonspecific skeletal abnormalities 1; Acromesomelic dysplasia 1, Maroteaux type. Review status: criteria provided, single submitter. Criteria: ACMG Guidelines, 2015. Collection method: clinical testing. Allele origin: germline.
Comment: NPR2 NM_003995.3 exon 1 p.Ala22Ser (c.64G>T): This variant has not been reported in the literature and is present in 0.6% (144/23776) of African alleles in the Genome Aggregation Database, including 2 homozygotes. This variant is present in ClinVar (Variation ID:193262). Evolutionary conservation and computational predictive tools suggest that this variant may not impact the protein. In summary, data on this variant is insufficient for disease classification. Therefore, the clinical significance of this variant is uncertain.

PreventionGenetics, part of Exact Sciences
Classification: Likely benign for NPR2-related condition. Last evaluated: 2019-07-15. Review status: no assertion criteria provided. Collection method: clinical testing. Allele origin: germline. Not counted in ClinVar's aggregate classification.
Comment: This variant is classified as likely benign based on ACMG/AMP sequence variant interpretation guidelines (Richards et al. 2015 PMID: 25741868, with internal and published modifications).